The following is an entry in ClinVar:

NM_001166114.2(PNPLA6):c.4051C>T (p.Arg1351Ter)

Gene: PNPLA6 (patatin like domain 6, lysophospholipase; plus strand). Cytogenetic location: 19p13.2.
Variant type: single nucleotide variant.
Coding change: c.4051C>T on transcript NM_001166114.2 (MANE Select); coding-DNA position 4051, C replaced by T.
Protein change: p.Arg1351Ter; replaces arginine 1351 with a stop codon.
Molecular consequence: nonsense.
Genome position (GRCh38, 1-based): chr19:7,561,515, C>T. VCF-style: chr19-7561515-C-T. GRCh37 (hg19) VCF-style: chr19-7626401-C-T.
Other names: c.4081C>T, p.Arg1361Ter (NM_001166111.2); c.3856C>T, p.Arg1286Ter (NM_001166112.2); c.3937C>T, p.Arg1313Ter (NM_001166113.1, NM_006702.5); c.3937C>T (NM_006702.4); short protein forms R1286*, R1313*, R1351*, R1361*.
Identifiers: ClinVar variation 1027474 (VCV001027474.18), dbSNP rs370033046, ClinGen allele CA9140695.

ClinVar aggregate classification (germline): Pathogenic/Likely pathogenic. Review status: criteria provided, multiple submitters, no conflicts (2 of 4 stars). 7 submissions from 7 submitters: Pathogenic (5); Likely pathogenic (2). Last evaluated 2026-04-01.

Conditions:
PNPLA6-related disorder. Also called: PNPLA6-related disorders; PNPLA6-related condition.
Hereditary spastic paraplegia. Also called: Familial spastic paraparesis. Identifiers: Orphanet 685, MedGen C0037773, MONDO:0019064. Disease mechanism: loss of function.
Ataxia-hypogonadism-choroidal dystrophy syndrome (BNHS). Also called: Chorioretinal dystrophy, spinocerebellar ataxia and hypogonadotropic hypogonadism; Boucher-Neuhäuser Syndrome (BNS). Identifiers: Orphanet 1180, MedGen C1859093, MONDO:0008980, OMIM 215470.
Trichomegaly-retina pigmentary degeneration-dwarfism syndrome (OMCS). Also called: OLIVER-MCFARLANE SYNDROME; Eyelashes long mental retardation; Trichomegaly retina pigmentary degeneration dwarfism; Oliver-McFarlane Syndrome (OMCS). Identifiers: Orphanet 3363, MedGen C1848745, MONDO:0010152, OMIM 275400.
Laurence-Moon syndrome (LNMS). Also called: PNPLA6-Related Laurence-Moon Syndrome (LMS). Identifiers: Orphanet 2377, MedGen C0023138, MONDO:0009514, OMIM 245800.
Hereditary spastic paraplegia 39 (SPG39). Also called: SPASTIC PARAPLEGIA 39, AUTOSOMAL RECESSIVE; Spastic Paraplegia Type 39 (SPG39). Identifiers: Orphanet 139480, MedGen C2677586, MONDO:0012787, OMIM 612020.

Allele frequency attached by ClinVar (database versions not stated): gnomAD 0.00002 and 0.00003; ExAC 0.00003; TOPMed 0.00003; gnomAD exomes 0.00005; ESP Exome Variant Server 0.00008.
gnomAD v4.1: 86 of 1,609,106 alleles (0.0053%); highest among the groups gnomAD compares: Middle Eastern, 0.036%; no homozygotes.

Submissions (7):

CeGaT Center for Human Genetics Tuebingen
Classification: Pathogenic. Last evaluated: 2026-04-01. Review status: criteria provided, single submitter. Criteria: CeGaT Center For Human Genetics Tuebingen Variant Classification Criteria Version 2. Collection method: clinical testing. Allele origin: germline. Affected: yes. Observed: 1 variant allele.
Comment: PNPLA6: PM3:Strong, PP1:Strong, PM2, PVS1:Moderate

GeneDx
Classification: Pathogenic. Last evaluated: 2025-11-13. Review status: criteria provided, single submitter. Criteria: GeneDx Variant Classification Process June 2021. Collection method: clinical testing. Allele origin: germline. Affected: yes.
Comment: Reported (as R1361X or R1381X due to the use of alternate nomenclature) with a second PNPLA6 variant, although phase was not confirmed in all cases, in patients with features of a PNPLA6-related disorder (PMID: 34445196, 30555943, 29248984); Published functional studies demonstrate a damaging effect leading to reduced esterase activity (PMID: 38735647); Nonsense variant predicted to result in protein truncation as the last 15 amino acids are lost, although loss-of-function variants have not been reported downstream of this position in the protein; Not observed at significant frequency in large population cohorts (gnomAD); This variant is associated with the following publications: (PMID: 32758583, 35198007, 29248984, 30555943, 34445196, 38735647)

Labcorp Genetics (formerly Invitae), Labcorp
Classification: Pathogenic for Hereditary spastic paraplegia 39. Last evaluated: 2025-05-05. Review status: criteria provided, single submitter. Criteria: Invitae Variant Classification Sherloc (09022015). Collection method: clinical testing. Allele origin: germline.
Comment: This sequence change creates a premature translational stop signal (p.Arg1313*) in the PNPLA6 gene. While this is not anticipated to result in nonsense mediated decay, it is expected to disrupt the last 15 amino acid(s) of the PNPLA6 protein. This variant is present in population databases (rs370033046, gnomAD 0.01%). This premature translational stop signal has been observed in individuals with clinical features of autosomal recessive Gordon Holmes syndrome (PMID: 29248984, 30555943). It has also been observed to segregate with disease in related individuals. This variant is also known as c.4081C>T. ClinVar contains an entry for this variant (Variation ID: 1027474). For these reasons, this variant has been classified as Pathogenic.

First Genomix Gene Laboratory, Genetic Diagnostics Department
Classification: Pathogenic for Laurence-Moon syndrome; Ataxia-hypogonadism-choroidal dystrophy syndrome; Trichomegaly-retina pigmentary degeneration-dwarfism syndrome; Hereditary spastic paraplegia 39. Last evaluated: 2025-01-05. Review status: criteria provided, single submitter. Criteria: ACMG Guidelines, 2015. Collection method: clinical testing. Allele origin: germline. Inheritance: Autosomal recessive inheritance. Affected: no. Observed: 1 variant allele.

Genome Diagnostics Laboratory, The Hospital for Sick Children
Classification: Likely pathogenic for Hereditary spastic paraplegia. Last evaluated: 2024-11-19. Review status: criteria provided, single submitter. Criteria: ACMG Guidelines, 2015. Collection method: clinical testing. Allele origin: germline. Affected: yes.
Comment: This nonsense variant is in the last exon (exon 35) of the PNPLA6 gene. It is predicted to create a premature translational stop signal at codon 1313, which is expected to disrupt the last 15 amino acid(s) of the PNPLA6 protein. This variant was observed in a compound heterozygous state in individuals with ataxia related to Gordon Holmes syndrome (PMID: 29248984; PMID: 30555943; PMID: 34445196). This variant is observed at an allele frequency of 0.0053% in populations of the Genome Aggregation Database (gnomAD). Based on the evidence above, this variant is classified as likely pathogenic (ACMG criteria - PM2, PVS1_M, PM3, , PP5).

Blueprint Genetics
Classification: Likely pathogenic for PNPLA6-related disorders. Last evaluated: 2024-06-10. Review status: criteria provided, single submitter. Criteria: ACMG Guidelines, 2015. Collection method: clinical testing. Allele origin: germline. Affected: yes. Observed: 4 variant alleles.

Molecular Medicine for Neurodegenerative and Neuromuscular Diseases Unit, IRCCS Fondazione Stella Maris
Classification: Pathogenic for Ataxia-hypogonadism-choroidal dystrophy syndrome. Last evaluated: 2021-01-04. Review status: criteria provided, single submitter. Criteria: ACMG Guidelines, 2015. Collection method: research. Allele origin: inherited. Affected: yes.

Literature cited by the submitters: PubMed 29248984 (cited by Labcorp Genetics (formerly Invitae), Labcorp and Genome Diagnostics Laboratory, The Hospital for Sick Children); PubMed 30555943 (cited by Labcorp Genetics (formerly Invitae), Labcorp and Genome Diagnostics Laboratory, The Hospital for Sick Children); PubMed 34445196 (cited by Genome Diagnostics Laboratory, The Hospital for Sick Children).